The following is an entry in ClinVar:

NM_000059.4(BRCA2):c.9620T>A (p.Ile3207Asn)

Gene: BRCA2 (BRCA2 DNA repair associated; plus strand). Cytogenetic location: 13q13.1.
Variant type: single nucleotide variant.
Coding change: c.9620T>A on transcript NM_000059.4 (MANE Select); coding-DNA position 9620, T replaced by A.
Protein change: p.Ile3207Asn; replaces isoleucine 3207 with asparagine.
Molecular consequence: missense variant.
Genome position (GRCh38, 1-based): chr13:32,397,016, T>A. VCF-style: chr13-32397016-T-A. GRCh37 (hg19) VCF-style: chr13-32971153-T-A.
Other names: 9848T>A; short protein forms I3207N.
Identifiers: ClinVar variation 231075 (VCV000231075.19), dbSNP rs876658942, ClinGen allele CA10579840.

ClinVar aggregate classification (germline): Uncertain significance. Review status: criteria provided, multiple submitters, no conflicts (2 of 4 stars). 7 submissions from 7 submitters: Uncertain significance (6). 1 of the submissions does not count toward it. Last evaluated 2025-01-24.

Conditions:
Hereditary cancer-predisposing syndrome. Also called: Hereditary Cancer Syndrome; Neoplastic Syndromes, Hereditary; Tumor predisposition; Hereditary neoplastic syndrome. Identifiers: Orphanet 140162, MedGen C0027672, MeSH D009386, MONDO:0015356.
Breast-ovarian cancer, familial, susceptibility to, 2 (BROVCA2). Also called: BRCA2 Hereditary Breast and Ovarian Cancer. Identifiers: Orphanet 145, MedGen C2675520, MONDO:0012933, OMIM 612555. Disease mechanism: loss of function.
Hereditary breast ovarian cancer syndrome. Also called: Hereditary breast and/or ovarian cancer syndrome; BRCA1- and BRCA2-Associated Hereditary Breast and Ovarian Cancer; Hereditary breast and ovarian cancer syndrome (HBOC); Hereditary breast and ovarian cancer; Hereditary breast and ovarian cancer syndrome; Breast and ovarian cancer. Identifiers: Orphanet 145, MedGen C0677776, MeSH D061325, MONDO:0003582. Disease mechanism: loss of function.
Familial cancer of breast. Also called: Hereditary breast cancer; hereditary breast carcinoma; BREAST CANCER, FAMILIAL. Identifiers: Orphanet 227535, MedGen C0346153, MONDO:0016419, OMIM 114480. Disease mechanism: loss of function.

Allele frequency attached by ClinVar (database versions not stated): gnomAD exomes below 0.00001; TOPMed below 0.00001; gnomAD 0.00002.
gnomAD v4.1: 4 of 1,613,986 alleles (0.00025%); highest among the groups gnomAD compares: African/African-American, 0.0053%; no homozygotes.

Submissions (7):

Ambry Genetics
Classification: Uncertain significance for Hereditary cancer-predisposing syndrome. Last evaluated: 2025-01-24. Review status: criteria provided, single submitter. Criteria: Ambry Variant Classification Scheme 2023. Collection method: clinical testing. Allele origin: germline.
Comment: The p.I3207N variant (also known as c.9620T>A), located in coding exon 25 of the BRCA2 gene, results from a T to A substitution at nucleotide position 9620. The isoleucine at codon 3207 is replaced by asparagine, an amino acid with dissimilar properties. This amino acid position is poorly conserved in available vertebrate species. In addition, this alteration is predicted to be tolerated by in silico analysis. Since supporting evidence is limited at this time, the clinical significance of this alteration remains unclear.

Women's Health and Genetics/Laboratory Corporation of America, LabCorp
Classification: Uncertain significance. Last evaluated: 2024-10-19. Review status: criteria provided, single submitter. Criteria: LabCorp Variant Classification Summary - May 2015. Collection method: clinical testing. Allele origin: germline.

Labcorp Genetics (formerly Invitae), Labcorp
Classification: Uncertain significance for Hereditary breast ovarian cancer syndrome. Last evaluated: 2024-04-01. Review status: criteria provided, single submitter. Criteria: Invitae Variant Classification Sherloc (09022015). Collection method: clinical testing. Allele origin: germline.
Comment: This sequence change replaces isoleucine, which is neutral and non-polar, with asparagine, which is neutral and polar, at codon 3207 of the BRCA2 protein (p.Ile3207Asn). This variant is present in population databases (no rsID available, gnomAD 0.008%). This variant has not been reported in the literature in individuals affected with BRCA2-related conditions. ClinVar contains an entry for this variant (Variation ID: 231075). Advanced modeling of protein sequence and biophysical properties (such as structural, functional, and spatial information, amino acid conservation, physicochemical variation, residue mobility, and thermodynamic stability) performed at Invitae indicates that this missense variant is not expected to disrupt BRCA2 protein function with a negative predictive value of 95%. In summary, the available evidence is currently insufficient to determine the role of this variant in disease. Therefore, it has been classified as a Variant of Uncertain Significance.

Baylor Genetics
Classification: Uncertain significance for Familial cancer of breast. Last evaluated: 2023-12-30. Review status: criteria provided, single submitter. Criteria: ACMG Guidelines, 2015. Collection method: clinical testing. Allele origin: unknown.

GeneDx
Classification: Uncertain significance. Last evaluated: 2022-10-18. Review status: criteria provided, single submitter. Criteria: GeneDx Variant Classification Process June 2021. Collection method: clinical testing. Allele origin: germline. Affected: yes.
Comment: Not observed at significant frequency in large population cohorts (gnomAD); In silico analysis supports that this missense variant does not alter protein structure/function; Has not been previously published as pathogenic or benign to our knowledge; Also known as 9848T>A

Quest Diagnostics Nichols Institute San Juan Capistrano
Classification: Uncertain significance. Last evaluated: 2017-01-09. Review status: criteria provided, single submitter. Criteria: Quest Diagnostics criteria. Collection method: clinical testing. Allele origin: germline.

Sharing Clinical Reports Project (SCRP)
Classification: Uncertain significance for Breast-ovarian cancer, familial 2. Last evaluated: 2011-06-01. Review status: no assertion criteria provided. Collection method: clinical testing. Allele origin: germline. Not counted in ClinVar's aggregate classification.